The following is an entry in ClinVar:

NM_006206.6(PDGFRA):c.305A>G (p.Tyr102Cys)

Gene: PDGFRA (platelet derived growth factor receptor alpha; plus strand). Cytogenetic location: 4q12.
Variant type: single nucleotide variant.
Coding change: c.305A>G on transcript NM_006206.6 (MANE Select); coding-DNA position 305, A replaced by G.
Protein change: p.Tyr102Cys; replaces tyrosine 102 with cysteine.
Molecular consequence: missense variant.
Genome position (GRCh38, 1-based): chr4:54,261,350, A>G. VCF-style: chr4-54261350-A-G. GRCh37 (hg19) VCF-style: chr4-55127517-A-G.
Other names: c.305A>G, p.Tyr102Cys (NM_001347827.2, NM_001347829.2); c.380A>G, p.Tyr127Cys (NM_001347828.2); c.344A>G, p.Tyr115Cys (NM_001347830.2); short protein forms Y115C, Y127C, Y102C.
Identifiers: ClinVar variation 2447484 (VCV002447484.2), dbSNP rs2475423398, ClinGen allele CA356888872.

ClinVar aggregate classification (germline): Uncertain significance (1 of 4 stars; one submission).

Conditions:
Hereditary cancer-predisposing syndrome. Also called: Neoplastic Syndromes, Hereditary; Hereditary Cancer Syndrome; Tumor predisposition; Hereditary neoplastic syndrome. Identifiers: Orphanet 140162, MedGen C0027672, MeSH D009386, MONDO:0015356.

Submission:

Ambry Genetics
Classification: Uncertain significance for Hereditary cancer-predisposing syndrome. Last evaluated: 2023-01-19. Review status: criteria provided, single submitter. Criteria: Ambry Variant Classification Scheme 2023. Collection method: clinical testing. Allele origin: germline.
Comment: The p.Y102C variant (also known as c.305A>G), located in coding exon 2 of the PDGFRA gene, results from an A to G substitution at nucleotide position 305. The tyrosine at codon 102 is replaced by cysteine, an amino acid with highly dissimilar properties. This amino acid position is conserved. In addition, the in silico prediction for this alteration is inconclusive. Since supporting evidence is limited at this time, the clinical significance of this alteration remains unclear.